The following is an entry in ClinVar:

NM_007186.6(CEP250):c.6639_6642dup (p.Leu2215Ter)

Gene: CEP250 (centrosomal protein 250; plus strand). Cytogenetic location: 20q11.22.
Variant type: Duplication.
Coding change: c.6639_6642dup on transcript NM_007186.6 (MANE Select); coding-DNA positions 6639 to 6642, 4 bases duplicated (TGAA; older notation c.6639_6642dupTGAA).
Protein change: p.Leu2215Ter; replaces leucine 2215 with a stop codon.
Molecular consequence: nonsense.
Genome position (GRCh38, 1-based): chr20:35,507,740-35,507,743, TGAA duplicated; duplicating any 4 consecutive bases within chr20:35,507,739-35,507,743 gives the same sequence; the c. name uses the placement nearest the transcript's 3' end. VCF-style (leftmost placement, unchanged base first): chr20-35507738-G-GATGA. GRCh37 (hg19) VCF-style: chr20-34095567-G-GATGA.
Other names: c.4743_4746dup, p.Leu1583Ter (NM_001318219.1); short protein forms L1583*, L2215*.
Identifiers: ClinVar variation 4807221 (VCV004807221.1).

ClinVar aggregate classification (germline): Pathogenic (1 of 4 stars; one submission).

Submission:

Labcorp Genetics (formerly Invitae), Labcorp
Classification: Pathogenic. Last evaluated: 2025-08-19. Review status: criteria provided, single submitter. Criteria: Invitae Variant Classification Sherloc (09022015). Collection method: clinical testing. Allele origin: germline.
Comment: This sequence change creates a premature translational stop signal (p.Leu2215*) in the CEP250 gene. It is expected to result in an absent or disrupted protein product. Loss-of-function variants in CEP250 are known to be pathogenic (PMID: 24780881, 29718797). This variant is present in population databases (no rsID available, gnomAD 0.002%). This variant has not been reported in the literature in individuals affected with CEP250-related conditions. For these reasons, this variant has been classified as Pathogenic.

Literature cited by the submitters: PubMed 24780881; PubMed 29718797.